The following is an entry in ClinVar:

NC_000004.11:g.(?_175429827)_(175429963_?)del

Gene: HPGD (15-hydroxyprostaglandin dehydrogenase; minus strand). Cytogenetic location: 4q34.1.
Variant type: Deletion.
Identifiers: ClinVar variation 1459858 (VCV001459858.6).

ClinVar aggregate classification (germline): Pathogenic (1 of 4 stars; one submission).

Submission:

Labcorp Genetics (formerly Invitae), Labcorp
Classification: Pathogenic. Last evaluated: 2021-04-22. Review status: criteria provided, single submitter. Criteria: Invitae Variant Classification Sherloc (09022015). Collection method: clinical testing. Allele origin: germline.
Comment: For these reasons, this variant has been classified as Pathogenic. This variant has been observed in individual(s) with primary hypertrophic osteoarthropathy (PMID: 30292630). This variant is a gross deletion of the genomic region encompassing exon(s) 4 of the HPGD gene. This deletion is out-of-frame, and is expected to create a premature translational stop signal and result in an absent or disrupted protein product. Loss-of-function variants in HPGD are known to be pathogenic (PMID: 18500342, 19568269, 24533558, 24816859).

Literature cited by the submitters: PubMed 30292630; PubMed 18500342; PubMed 19568269; PubMed 24533558; PubMed 24816859.